The following is an entry in ClinVar:

ClinVar aggregate classification (germline): Likely benign. Review status: criteria provided, multiple submitters, no conflicts (2 of 4 stars). 2 submissions from 2 submitters: Likely benign (2). Last evaluated 2024-09-22.

Conditions:
Mucopolysaccharidosis type 7 (MPS7). Also called: BETA-GLUCURONIDASE DEFICIENCY; GUSB DEFICIENCY; MPS VII; SLY SYNDROME. Identifiers: Orphanet 584, MedGen C0085132, MONDO:0009662, OMIM 253220.

Allele frequency attached by ClinVar (database versions not stated): gnomAD exomes below 0.00001.
gnomAD v4.1: 1 of 1,612,134 alleles (0.000062%); highest among the groups gnomAD compares: Non-Finnish European, 0.000085%; no homozygotes.

Submissions (2):

Genomic Medicine Center of Excellence, King Faisal Specialist Hospital and Research Centre
Classification: Likely benign for Mucopolysaccharidosis type 7. Last evaluated: 2024-09-22. Review status: criteria provided, single submitter. Criteria: ACMG Guidelines, 2015. Collection method: clinical testing. Allele origin: germline.

GeneDx
Classification: Likely benign. Last evaluated: 2016-03-01. Review status: criteria provided, single submitter. Criteria: GeneDx Variant Classification (06012015). Collection method: clinical testing. Allele origin: germline. Affected: yes.
Comment: This variant is considered likely benign or benign based on one or more of the following criteria: it is a conservative change, it occurs at a poorly conserved position in the protein, it is predicted to be benign by multiple in silico algorithms, and/or has population frequency not consistent with disease.

NM_000181.4(GUSB):c.1066-3T>C

Gene: GUSB (glucuronidase beta; minus strand). Cytogenetic location: 7q11.21.
Variant type: single nucleotide variant.
Coding change: c.1066-3T>C on transcript NM_000181.4 (MANE Select); 3 bases into the intron before coding-DNA position 1066, T replaced by C.
Molecular consequence: intron variant.
Genome position (GRCh38, 1-based): chr7:65,974,707, A>G on the plus strand (T>C on the coding strand, the complement: GUSB is on the minus strand). VCF-style: chr7-65974707-A-G. GRCh37 (hg19) VCF-style: chr7-65439694-A-G.
Other names: c.409-3T>C (NM_001293105.2); c.496-3T>C (NM_001293104.2); c.628-3T>C (NM_001284290.2).
Identifiers: ClinVar variation 384509 (VCV000384509.2), dbSNP rs1057521974, ClinGen allele CA16605371.
Genomic context (GRCh38, chr7:65,974,707, plus strand): 5'-AGCGAAGCAGGTTGAAGTCCTTCACCAGCAGCGGCCAGTCGAAGCCCTTCCCTCGGATCT[A>G]GGAGATAGCAGAGCCAAGTGACCCCTGTCCCTGTCGAAGCTGCACTTCCTCTGAGAGCCA-3'